The following is an entry in ClinVar:

ClinVar aggregate classification (germline): Uncertain significance (1 of 4 stars; one submission).

Submission:

Labcorp Genetics (formerly Invitae), Labcorp
Classification: Uncertain significance. Last evaluated: 2025-04-23. Review status: criteria provided, single submitter. Criteria: Invitae Variant Classification Sherloc (09022015). Collection method: clinical testing. Allele origin: germline.
Comment: This sequence change replaces valine, which is neutral and non-polar, with leucine, which is neutral and non-polar, at codon 475 of the NTRK2 protein (p.Val475Leu). This variant is not present in population databases (gnomAD no frequency). This variant has not been reported in the literature in individuals affected with NTRK2-related conditions. ClinVar contains an entry for this variant (Variation ID: 3635820). Invitae Evidence Modeling of protein sequence and biophysical properties (such as structural, functional, and spatial information, amino acid conservation, physicochemical variation, residue mobility, and thermodynamic stability) indicates that this missense variant is expected to disrupt NTRK2 protein function with a positive predictive value of 95%. In summary, the available evidence is currently insufficient to determine the role of this variant in disease. Therefore, it has been classified as a Variant of Uncertain Significance.

NM_006180.6(NTRK2):c.1423G>C (p.Val475Leu)

Gene: NTRK2 (neurotrophic receptor tyrosine kinase 2; plus strand). Cytogenetic location: 9q21.33.
Variant type: single nucleotide variant.
Coding change: c.1423G>C on transcript NM_006180.6 (MANE Select); coding-DNA position 1423, G replaced by C.
Protein change: p.Val475Leu; replaces valine 475 with leucine.
Molecular consequence: missense variant. On other transcripts: intron variant (7).
Genome position (GRCh38, 1-based): chr9:84,861,066, G>C. VCF-style: chr9-84861066-G-C. GRCh37 (hg19) VCF-style: chr9-87475981-G-C.
Other names: c.1423G>C, p.Val475Leu (NM_001018065.2, NM_001369537.1); c.955G>C, p.Val319Leu (NM_001369536.1); c.1397-6177G>C (NM_001369532.1, NM_001369533.1, NM_001018066.3 and 2 more transcripts); c.1361-6177G>C (NM_001369534.1); c.929-6177G>C (NM_001369535.1); short protein forms V319L, V475L.
Identifiers: ClinVar variation 3635820 (VCV003635820.2).